The following is an entry in ClinVar:

NM_000612.6(IGF2):c.404G>A (p.Arg135His)

Genes: IGF2 (insulin like growth factor 2; minus strand), INS-IGF2 (INS-IGF2 readthrough; minus strand). Cytogenetic location: 11p15.5.
Variant type: single nucleotide variant.
Coding change: c.404G>A on transcript NM_000612.6 (MANE Select); coding-DNA position 404, G replaced by A.
Protein change: p.Arg135His; replaces arginine 135 with histidine.
Molecular consequence: missense variant. On other transcripts: non-coding transcript variant (1).
Genome position (GRCh38, 1-based): chr11:2,133,126, C>T on the plus strand (G>A on the coding strand, the complement: IGF2 is on the minus strand). VCF-style: chr11-2133126-C-T. GRCh37 (hg19) VCF-style: chr11-2154356-C-T.
Other names: c.404G>A, p.Arg135His (NM_001007139.6, NM_001291861.3, NM_001291862.3); c.572G>A, p.Arg191His (NM_001127598.3); short protein forms R135H, R191H.
Identifiers: ClinVar variation 3340246 (VCV003340246.1).

ClinVar aggregate classification (germline): Uncertain significance (1 of 4 stars; one submission).

gnomAD v4.1: 21 of 1,605,692 alleles (0.0013%); highest among the groups gnomAD compares: South Asian, 0.0022%; no homozygotes.

Submission:

GeneDx
Classification: Uncertain significance. Last evaluated: 2024-02-08. Review status: criteria provided, single submitter. Criteria: GeneDx Variant Classification Process June 2021. Collection method: clinical testing. Allele origin: germline. Affected: yes.
Comment: In silico analysis supports that this missense variant has a deleterious effect on protein structure/function; Has not been previously published as pathogenic or benign to our knowledge